The following is an entry in ClinVar:

NC_000008.10:g.(?_100654029)_(100654736_?)dup

Gene: VPS13B (vacuolar protein sorting 13 homolog B; plus strand). Cytogenetic location: 8q22.2.
Variant type: Duplication.
Identifiers: ClinVar variation 2426400 (VCV002426400.4).

ClinVar aggregate classification (germline): Likely pathogenic (1 of 4 stars; one submission).

Conditions:
Cohen syndrome (COH1). Also called: Cutis verticis gyrata, retinitis pigmentosa, and sensorineural deafness; PEPPER SYNDROME. Identifiers: Orphanet 193, MedGen C0265223, MONDO:0008999, OMIM 216550.

Submission:

Labcorp Genetics (formerly Invitae), Labcorp
Classification: Likely pathogenic for Cohen syndrome. Last evaluated: 2022-05-16. Review status: criteria provided, single submitter. Criteria: Invitae Variant Classification Sherloc (09022015). Collection method: clinical testing. Allele origin: germline.
Comment: In summary, the currently available evidence indicates that the variant is pathogenic, but additional data are needed to prove that conclusively. Therefore, this variant has been classified as Likely Pathogenic. This variant has not been reported in the literature in individuals affected with VPS13B-related conditions. This variant results in a copy number gain of the genomic region encompassing exon(s) 34 of the VPS13B gene. While the exact position of this variant cannot be determined from the data, sub-genic copy number gains are generally in tandem (PMID: 25640679). This variant is predicted to be out-of-frame, and may result in an absent or disrupted protein product. Loss-of-function variants in VPS13B are known to be pathogenic (PMID: 15141358, 16648375, 20461111).

Literature cited by the submitters: PubMed 25640679; PubMed 15141358; PubMed 16648375; PubMed 20461111.